The following is an entry in ClinVar:

ClinVar aggregate classification (germline): Likely pathogenic. Review status: criteria provided, multiple submitters, no conflicts (2 of 4 stars). 2 submissions from 2 submitters: Likely pathogenic (2). Last evaluated 2025-04-09.

Conditions:
SPTB-related disorder. Also called: SPTB-related condition; SPTB-Related Disorders.

Submissions (2):

Mayo Clinic Laboratories, Mayo Clinic
Classification: Likely pathogenic. Last evaluated: 2025-04-09. Review status: criteria provided, single submitter. Criteria: ACMG Guidelines, 2015. Collection method: clinical testing. Allele origin: germline. Observed: 1 variant allele.
Comment: PM2_supporting, PVS1

Blueprint Genetics
Classification: Likely pathogenic for SPTB-related disorders. Last evaluated: 2024-11-07. Review status: criteria provided, single submitter. Criteria: ACMG Guidelines, 2015. Collection method: clinical testing. Allele origin: germline. Affected: yes. Observed: 1 variant allele.

NM_001355436.2(SPTB):c.3645del (p.Ser1216fs)

Gene: SPTB (spectrin beta, erythrocytic; minus strand). Cytogenetic location: 14q23.3.
Variant type: Deletion.
Coding change: c.3645del on transcript NM_001355436.2 (MANE Select); coding-DNA position 3645, one base deleted (G; older notation c.3645delG).
Protein change: p.Ser1216fs; shifts the reading frame from serine 1216.
Molecular consequence: frameshift variant.
Genome position (GRCh38, 1-based): chr14:64,785,868, C deleted on the plus strand (G on the coding strand, the reverse complement: SPTB is on the minus strand); the first of 4 consecutive C bases (chr14:64,785,868-64,785,871); deleting any one gives the same sequence. VCF-style (leftmost placement, unchanged base first): chr14-64785867-AC-A. GRCh37 (hg19) VCF-style: chr14-65252585-AC-A.
Other names: p.Ser1216Leufs*10; c.3645del, p.Ser1216fs (NM_001024858.4, NM_001355437.2); short protein forms S1216fs.
Identifiers: ClinVar variation 4541851 (VCV004541851.2).